The following is an entry in ClinVar:

NM_144772.3(NAXE):c.664+2T>A

Gene: NAXE (NAD(P)HX epimerase; plus strand). Cytogenetic location: 1q22.
Variant type: single nucleotide variant.
Coding change: c.664+2T>A on transcript NM_144772.3 (MANE Select); the canonical splice donor site of the intron after coding-DNA position 664, T replaced by A.
Molecular consequence: splice donor variant.
Genome position (GRCh38, 1-based): chr1:156,593,557, T>A. VCF-style: chr1-156593557-T-A. GRCh37 (hg19) VCF-style: chr1-156563349-T-A.
Other names: NC_000001.10:g.156563349T>A.
Identifiers: ClinVar variation 3773815 (VCV003773815.3).
Genomic context (GRCh38, chr1:156,593,557, plus strand): 5'-CATCCTGAGTGTCCTGAAGGGACTCACTGTGCCCATTGCCAGCATCGACATTCCCTCAGG[T>A]GCTGGGATCCAGAAGGTGGGGTGGGGGAGATTGGGGCCCTACCCTCCTGACTCTTGCCCA-3'

ClinVar aggregate classification (germline): Likely pathogenic. Review status: criteria provided, multiple submitters, no conflicts (2 of 4 stars). 2 submissions from 2 submitters: Likely pathogenic (2). Last evaluated 2024-12-16.

Conditions:
Encephalopathy, progressive, early-onset, with brain edema and/or leukoencephalopathy, 1 (PEBEL1). Also called: NAD(P)HX epimerase deficiency. Identifiers: Orphanet 555407, MedGen C4310675, MONDO:0020781, OMIM 617186.
Encephalopathy, progressive, early-onset, with brain edema and/or leukoencephalopathy. Identifiers: MedGen CN263076, MONDO:0014960.

Submissions (3):

3billion
Classification: Likely pathogenic for Encephalopathy, progressive, early-onset, with brain edema and/or leukoencephalopathy, 1. Last evaluated: 2024-12-16. Review status: criteria provided, single submitter. Criteria: ACMG Guidelines, 2015. Collection method: clinical testing. Allele origin: germline. Affected: yes.
Comment: The variant is not observed in the gnomAD v4.1.0 dataset. Predicted Consequence/Location: Canonical splice site: predicted to alter splicing and result in a loss or disruption of normal protein function. The predicted truncated protein may be shortened by more than 10%. In silico tools predict the variant to alter splicing and produce an abnormal transcript [SpliceAI: 1.00 (spliceogenicity >=0.2, non-spliceogenicity <0.1)]. Therefore, this variant is classified as Likely pathogenic according to the recommendation of ACMG/AMP guideline.

Rady Children's Institute for Genomic Medicine, Rady Children's Hospital San Diego
Classification: Likely pathogenic for ENCEPHALOPATHY, PROGRESSIVE, EARLY-ONSET, WITH BRAIN EDEMA AND/OR LEUKOENCEPHALOPATHY. Last evaluated: 2024-02-06. Review status: criteria provided, single submitter. Criteria: ACMG Guidelines, 2015. Collection method: clinical testing. Allele origin: germline. Affected: yes.
Comment: Loss-of-function variation in NAXE is an established mechanism of disease (PMID: 27616477). Multiple splice prediction tools suggest this variant is likely to interfere with normal splicing. This variant has not been previously reported or functionally characterized in the literature to our knowledge. The c.664+2T>A variant is absent from the gnomAD v4 population database and thus is presumed to be rare. Based on the available evidence, c.664+2T>A is classified as Likely Pathogenic.

Dr. Peter K. Rogan Lab, Western University
No classification provided (evidence only). Condition: Thyroid cancer, nonmedullary, 1. Review status: no classification provided. Collection method: in vitro. Allele origin: not applicable. Functional consequence: skipped exon, retained intron. Not counted in ClinVar's aggregate classification.